The following is an entry in ClinVar:

NM_014159.7(SETD2):c.4454G>C (p.Arg1485Thr)

Gene: SETD2 (SET domain containing 2, histone lysine methyltransferase; minus strand). Cytogenetic location: 3p21.31.
Variant type: single nucleotide variant.
Coding change: c.4454G>C on transcript NM_014159.7 (MANE Select); coding-DNA position 4454, G replaced by C.
Protein change: p.Arg1485Thr; replaces arginine 1485 with threonine.
Molecular consequence: missense variant. On other transcripts: non-coding transcript variant (1).
Genome position (GRCh38, 1-based): chr3:47,120,182, C>G on the plus strand (G>C on the coding strand, the complement: SETD2 is on the minus strand). VCF-style: chr3-47120182-C-G. GRCh37 (hg19) VCF-style: chr3-47161672-C-G.
Other names: c.4322G>C, p.Arg1441Thr (NM_001349370.3); short protein forms R1441T, R1485T.
Identifiers: ClinVar variation 1334543 (VCV001334543.4), dbSNP rs2107738793, ClinGen allele CA352517254.

ClinVar aggregate classification (germline): Uncertain significance (1 of 4 stars; one submission).

Submission:

Greenwood Genetic Center Diagnostic Laboratories, Greenwood Genetic Center
Classification: Uncertain significance. Last evaluated: 2021-04-13. Review status: criteria provided, single submitter. Criteria: ACMG Guidelines, 2015. Collection method: clinical testing. Allele origin: germline. Affected: yes.
Comment: PP2, PP3, PM2